The following is an entry in ClinVar:

NM_005896.4(IDH1):c.456A>G (p.Val152=)

Gene: IDH1 (isocitrate dehydrogenase (NADP(+)) 1; minus strand). Cytogenetic location: 2q34.
Variant type: single nucleotide variant.
Coding change: c.456A>G on transcript NM_005896.4 (MANE Select); coding-DNA position 456, A replaced by G.
Protein change: p.Val152=; no amino-acid change (valine 152 retained).
Molecular consequence: synonymous variant.
Genome position (GRCh38, 1-based): chr2:208,245,383, T>C on the plus strand (A>G on the coding strand, the complement: IDH1 is on the minus strand). VCF-style: chr2-208245383-T-C. GRCh37 (hg19) VCF-style: chr2-209110107-T-C.
Other names: c.456A>G, p.Val152= (NM_001282386.1, NM_001282387.1).
Identifiers: ClinVar variation 789881 (VCV000789881.8), dbSNP rs145324788, ClinGen allele CA2079002.

ClinVar aggregate classification (germline): Likely benign. Review status: criteria provided, multiple submitters, no conflicts (2 of 4 stars). 4 submissions from 4 submitters: Likely benign (3). 1 of the submissions does not count toward it. Last evaluated 2022-02-12.

Conditions:
IDH1-related disorder. Also called: IDH1-related condition.

Allele frequency attached by ClinVar (database versions not stated): gnomAD 0.00036 and 0.00039; gnomAD exomes 0.00036; TOPMed 0.00042; ExAC 0.00043; ESP Exome Variant Server 0.00069.
gnomAD v4.1: 1,178 of 1,612,300 alleles (0.073%); highest among the groups gnomAD compares: Non-Finnish European, 0.093%; 2 homozygotes.

Submissions (4):

Ambry Genetics
Classification: Likely benign. Last evaluated: 2022-02-12. Review status: criteria provided, single submitter. Criteria: Ambry Variant Classification Scheme 2023. Collection method: clinical testing. Allele origin: germline.

Labcorp Genetics (formerly Invitae), Labcorp
Classification: Likely benign. Last evaluated: 2018-07-18. Review status: criteria provided, single submitter. Criteria: Invitae Variant Classification Sherloc (09022015). Collection method: clinical testing. Allele origin: germline.

Breakthrough Genomics
Classification: Likely benign. Review status: criteria provided, single submitter. Criteria: ACMG Guidelines, 2015. Collection method: not provided. Allele origin: germline. Inheritance: Autosomal dominant inheritance. Affected: yes.

PreventionGenetics, part of Exact Sciences
Classification: Likely benign for IDH1-related condition. Last evaluated: 2019-04-04. Review status: no assertion criteria provided. Collection method: clinical testing. Allele origin: germline. Not counted in ClinVar's aggregate classification.
Comment: This variant is classified as likely benign based on ACMG/AMP sequence variant interpretation guidelines (Richards et al. 2015 PMID: 25741868, with internal and published modifications).